The following is an entry in ClinVar:

NM_015559.3(SETBP1):c.2821A>C (p.Lys941Gln)

Gene: SETBP1 (SET binding protein 1; plus strand). Cytogenetic location: 18q12.3.
Variant type: single nucleotide variant.
Coding change: c.2821A>C on transcript NM_015559.3 (MANE Select); coding-DNA position 2821, A replaced by C.
Protein change: p.Lys941Gln; replaces lysine 941 with glutamine.
Molecular consequence: missense variant.
Genome position (GRCh38, 1-based): chr18:44,952,161, A>C. VCF-style: chr18-44952161-A-C. GRCh37 (hg19) VCF-style: chr18-42532126-A-C.
Other names: c.2821A>C, p.Lys941Gln (NM_001379141.1, NM_001379142.1); short protein forms K941Q.
Identifiers: ClinVar variation 1309064 (VCV001309064.2), dbSNP rs2145107824, ClinGen allele CA402322287.

ClinVar aggregate classification (germline): Uncertain significance (1 of 4 stars; one submission).

Submission:

GeneDx
Classification: Uncertain significance. Last evaluated: 2019-10-03. Review status: criteria provided, single submitter. Criteria: GeneDx Variant Classification Process June 2021. Collection method: clinical testing. Allele origin: germline. Affected: yes.
Comment: Not observed in large population cohorts (Lek et al., 2016); In silico analysis, which includes protein predictors and evolutionary conservation, supports a deleterious effect; Has not been previously published as pathogenic or benign to our knowledge